The following is an entry in ClinVar:

NM_002397.5(MEF2C):c.544A>G (p.Met182Val)

Gene: MEF2C (myocyte enhancer factor 2C; minus strand). Cytogenetic location: 5q14.3.
Variant type: single nucleotide variant.
Coding change: c.544A>G on transcript NM_002397.5 (MANE Select); coding-DNA position 544, A replaced by G.
Protein change: p.Met182Val; replaces methionine 182 with valine.
Molecular consequence: missense variant.
Genome position (GRCh38, 1-based): chr5:88,751,902, T>C on the plus strand (A>G on the coding strand, the complement: MEF2C is on the minus strand). VCF-style: chr5-88751902-T-C. GRCh37 (hg19) VCF-style: chr5-88047719-T-C.
Other names: c.538A>G, p.Met180Val (NM_001131005.2, NM_001364343.2, NM_001364352.2); c.598A>G, p.Met200Val (NM_001193347.1, NM_001364338.2); c.400A>G, p.Met134Val (NM_001193348.1, NM_001193349.3, NM_001364332.2 and 3 more transcripts); c.544A>G, p.Met182Val (NM_001193350.2, NM_001308002.3, NM_001363581.2 and 18 more transcripts); c.166A>G, p.Met56Val (NM_001364353.2, NM_001364356.2); c.118A>G, p.Met40Val (NM_001364357.2); short protein forms M182V, M180V, M40V, M134V, M200V, M56V.
Identifiers: ClinVar variation 572336 (VCV000572336.9), dbSNP rs1250885583, ClinGen allele CA360423751.

ClinVar aggregate classification (germline): Uncertain significance (1 of 4 stars; one submission).

Conditions:
Neurodevelopmental disorder with hypotonia, stereotypic hand movements, and impaired language. Also called: Intellectual disability, autosomal dominant 20. Identifiers: Orphanet 228384, Orphanet 664410, MedGen C3150700, MONDO:0013266, OMIM 613443.

Allele frequency attached by ClinVar (database versions not stated): gnomAD exomes below 0.00001 and 0.00001; gnomAD 0.00001; TOPMed 0.00002.

Submission:

Labcorp Genetics (formerly Invitae), Labcorp
Classification: Uncertain significance for Neurodevelopmental disorder with hypotonia, stereotypic hand movements, and impaired language. Last evaluated: 2023-06-11. Review status: criteria provided, single submitter. Criteria: Invitae Variant Classification Sherloc (09022015). Collection method: clinical testing. Allele origin: germline.
Comment: Advanced modeling of protein sequence and biophysical properties (such as structural, functional, and spatial information, amino acid conservation, physicochemical variation, residue mobility, and thermodynamic stability) performed at Invitae indicates that this missense variant is not expected to disrupt MEF2C protein function. In summary, the available evidence is currently insufficient to determine the role of this variant in disease. Therefore, it has been classified as a Variant of Uncertain Significance. ClinVar contains an entry for this variant (Variation ID: 572336). This variant has not been reported in the literature in individuals affected with MEF2C-related conditions. This variant is present in population databases (no rsID available, gnomAD 0.0009%). This sequence change replaces methionine, which is neutral and non-polar, with valine, which is neutral and non-polar, at codon 182 of the MEF2C protein (p.Met182Val).